The following is an entry in ClinVar:

ClinVar aggregate classification (germline): Likely pathogenic (1 of 4 stars; one submission).

Conditions:
Peroxisome biogenesis disorder 4A (Zellweger) (PBD4A). Also called: Zellweger syndrome spectrum (PEX6-related). Identifiers: Orphanet 912, MedGen C3553936, MONDO:0013930, OMIM 614862. Disease mechanism: loss of function.

Submission:

Myriad Genetics, Inc.
Classification: Likely pathogenic for Peroxisome biogenesis disorder 4A (Zellweger). Last evaluated: 2022-03-31. Review status: criteria provided, single submitter. Criteria: Myriad Women's Health Autosomal Recessive and X-Linked Classification Criteria (2021). Collection method: clinical testing. Allele origin: unknown.
Comment: NM_000287.3(PEX6):c.2289delT(T764Pfs*5) is expected to be pathogenic in the context of peroxisome biogenesis disorder type 4. This variant is predicted to lead to an abnormal or absent protein product due to the creation of a premature termination codon in PEX6, a gene where loss-of-function variants are known to be pathogenic. Please note: this variant was assessed in the context of healthy population screening.

NM_000287.4(PEX6):c.2289del (p.Thr764fs)

Gene: PEX6 (peroxisomal biogenesis factor 6; minus strand). Cytogenetic location: 6p21.1.
Variant type: Deletion.
Coding change: c.2289del on transcript NM_000287.4 (MANE Select); coding-DNA position 2289, one base deleted (T; older notation c.2289delT).
Protein change: p.Thr764fs; shifts the reading frame from threonine 764.
Molecular consequence: frameshift variant.
Genome position (GRCh38, 1-based): chr6:42,966,253, A deleted on the plus strand (T on the coding strand, the reverse complement: PEX6 is on the minus strand); the first of 2 consecutive A bases (chr6:42,966,253-42,966,254); deleting either gives the same sequence. VCF-style (leftmost placement, unchanged base first): chr6-42966252-TA-T. GRCh37 (hg19) VCF-style: chr6-42933990-TA-T.
Other names: c.2025del, p.Thr676fs (NM_001316313.2); short protein forms T676fs, T764fs.
Identifiers: ClinVar variation 1725756 (VCV001725756.2), dbSNP rs2481207616, ClinGen allele CA2580074610.